The following is an entry in ClinVar:

ClinVar aggregate classification (germline): Likely benign (1 of 4 stars; one submission).

gnomAD v4.1: 252 of 1,613,890 alleles (0.016%); highest among the groups gnomAD compares: South Asian, 0.25%; 1 homozygote.

Submission:

CeGaT Center for Human Genetics Tuebingen
Classification: Likely benign. Last evaluated: 2026-02-01. Review status: criteria provided, single submitter. Criteria: CeGaT Center For Human Genetics Tuebingen Variant Classification Criteria Version 2. Collection method: clinical testing. Allele origin: germline. Affected: yes. Observed: 1 variant allele.
Comment: AGO1: BP4, BP7

NM_012199.5(AGO1):c.2487G>A (p.Ser829=)

Gene: AGO1 (argonaute RISC component 1; plus strand). Cytogenetic location: 1p34.3.
Variant type: single nucleotide variant.
Coding change: c.2487G>A on transcript NM_012199.5 (MANE Select); coding-DNA position 2487, G replaced by A.
Protein change: p.Ser829=; no amino-acid change (serine 829 retained).
Molecular consequence: synonymous variant.
Genome position (GRCh38, 1-based): chr1:35,919,520, G>A. VCF-style: chr1-35919520-G-A. GRCh37 (hg19) VCF-style: chr1-36385121-G-A.
Other names: c.2487G>A, p.Ser829= (NM_001317122.2); c.2262G>A, p.Ser754= (NM_001317123.2).
Identifiers: ClinVar variation 4821054 (VCV004821054.4).